The following is an entry in ClinVar:

NM_015272.5(RPGRIP1L):c.230+801A>G

Gene: RPGRIP1L (RPGRIP1 like; minus strand). Cytogenetic location: 16q12.2.
Variant type: single nucleotide variant.
Coding change: c.230+801A>G on transcript NM_015272.5 (MANE Select); 801 bases into the intron after coding-DNA position 230, A replaced by G.
Molecular consequence: intron variant. On other transcripts: synonymous variant (1).
Genome position (GRCh38, 1-based): chr16:53,695,350, T>C on the plus strand (A>G on the coding strand, the complement: RPGRIP1L is on the minus strand). VCF-style: chr16-53695350-T-C. GRCh37 (hg19) VCF-style: chr16-53729262-T-C.
Other names: c.339A>G, p.Gln113= (NM_001328422.2); c.230+801A>G (NM_001127897.4, NM_001330538.2, NM_001308334.3).
Identifiers: ClinVar variation 4988249 (VCV004988249.1).
Genomic context (GRCh38, chr16:53,695,350, plus strand): 5'-TCATCATGACTAAAACCCAACTCAAAGTAAAAGGCCTGCACATAGCATGCCAGTGGGTTG[T>C]TGAAGTCCACAGAGTAGAAACTGAACTGGAACCACCTCCTTAGGATGGATTCTAAGCAGA-3'

ClinVar aggregate classification (germline): Likely benign (1 of 4 stars; one submission).

Conditions:
RPGRIP1L-related disorder. Also called: RPGRIP1L-related disorders; RPGRIP1L-related condition. Identifiers: MedGen CN239416.

Submission:

PreventionGenetics, part of Exact Sciences
Classification: Likely benign for RPGRIP1L-related condition. Last evaluated: 2024-12-04. Review status: criteria provided, single submitter. Criteria: ACMG Guidelines, 2015. Collection method: clinical testing. Allele origin: germline.
Comment: This variant is classified as likely benign based on ACMG/AMP sequence variant interpretation guidelines (Richards et al. 2015 PMID: 25741868, with internal and published modifications).